The following is an entry in ClinVar:

ClinVar aggregate classification (germline): Uncertain significance (1 of 4 stars; one submission).

Submission:

Labcorp Genetics (formerly Invitae), Labcorp
Classification: Uncertain significance. Last evaluated: 2022-06-09. Review status: criteria provided, single submitter. Criteria: Invitae Variant Classification Sherloc (09022015). Collection method: clinical testing. Allele origin: germline.
Comment: In summary, the available evidence is currently insufficient to determine the role of this variant in disease. Therefore, it has been classified as a Variant of Uncertain Significance. Variants that disrupt the consensus splice site are a relatively common cause of aberrant splicing (PMID: 17576681, 9536098). Algorithms developed to predict the effect of sequence changes on RNA splicing suggest that this variant may disrupt the consensus splice site. This variant has not been reported in the literature in individuals affected with MYO18B-related conditions. This variant is not present in population databases (gnomAD no frequency). This sequence change affects codon 1020 of the MYO18B mRNA. It is a 'silent' change, meaning that it does not change the encoded amino acid sequence of the MYO18B protein. This variant also falls at the last nucleotide of exon 16, which is part of the consensus splice site for this exon.

Literature cited by the submitters: PubMed 17576681; PubMed 9536098.

NM_032608.7(MYO18B):c.3060G>A (p.Gln1020=)

Gene: MYO18B (myosin XVIIIB; plus strand). Cytogenetic location: 22q12.1.
Variant type: single nucleotide variant.
Coding change: c.3060G>A on transcript NM_032608.7 (MANE Select); coding-DNA position 3060, G replaced by A.
Protein change: p.Gln1020=; no amino-acid change (glutamine 1020 retained).
Molecular consequence: synonymous variant.
Genome position (GRCh38, 1-based): chr22:25,832,997, G>A. VCF-style: chr22-25832997-G-A. GRCh37 (hg19) VCF-style: chr22-26228964-G-A.
Other names: c.3060G>A, p.Gln1020= (NM_001318245.2).
Identifiers: ClinVar variation 1949665 (VCV001949665.5), dbSNP rs2089767986, ClinGen allele CA513907080.